The following is an entry in ClinVar:

ClinVar aggregate classification (germline): Pathogenic. Review status: criteria provided, single submitter (1 of 4 stars). 2 submissions from 2 submitters: Pathogenic (1). 1 of the submissions does not count toward it. Last evaluated 2016-10-14.

Conditions:
Androgen resistance syndrome (AIS). Also called: Androgen insensitivity syndrome; TESTICULAR FEMINIZATION SYNDROME; Androgen insensitivity syndrome due to coactivator deficiency; Androgen insensitivity; ANDROGEN RECEPTOR DEFICIENCY; DIHYDROTESTOSTERONE RECEPTOR DEFICIENCY. Identifiers: Orphanet 754, Orphanet 99429, MedGen C0039585, MONDO:0019154, OMIM 300068. Disease mechanism: loss of function.

Submissions (2):

GeneDx
Classification: Pathogenic. Last evaluated: 2016-10-14. Review status: criteria provided, single submitter. Criteria: GeneDx Variant Classification (06012015). Collection method: clinical testing. Allele origin: germline. Affected: yes.
Comment: The Q74X nonsense variant in the AR gene is predicted to cause loss of normal protein function either through protein truncation or nonsense-mediated mRNA decay. The variant was not observed in approximately 5,800 individuals of European and African American ancestry in the NHLBI Exome Sequencing Project, indicating it is not a common benign variant in these populations. Although Q74X has not been reported previously to our knowledge, we consider it to be pathogenic.

Clinical Molecular Genetics Laboratory, Johns Hopkins All Children's Hospital
Classification: Pathogenic for Androgen resistance syndrome. Last evaluated: 2012-12-26. Review status: no assertion criteria provided. Collection method: clinical testing. Allele origin: germline. Affected: yes. Not counted in ClinVar's aggregate classification.

NM_000044.6(AR):c.220C>T (p.Gln74Ter)

Genes: AR (androgen receptor; plus strand), LOC109504725 (androgen receptor repeat instability region; plus strand). Cytogenetic location: Xq12.
Variant type: single nucleotide variant.
Coding change: c.220C>T on transcript NM_000044.6 (MANE Select); coding-DNA position 220, C replaced by T.
Protein change: p.Gln74Ter; replaces glutamine 74 with a stop codon.
Molecular consequence: nonsense. On other transcripts: 5 prime UTR variant (1).
Genome position (GRCh38, 1-based): chrX:67,545,366, C>T. VCF-style: chrX-67545366-C-T. GRCh37 (hg19) VCF-style: chrX-66765208-C-T.
Other names: c.-1564C>T (NM_001011645.3); c.220C>T, p.Gln74Ter (NM_001348061.1, NM_001348063.1, NM_001348064.1); short protein forms Q74*.
Identifiers: ClinVar variation 279683 (VCV000279683.2), dbSNP rs886041129, ClinGen allele CA10603679.